The following is an entry in ClinVar:

NM_002755.3(MAP2K1):c.-547C>T

Gene: MAP2K1 (mitogen-activated protein kinase kinase 1; plus strand). Cytogenetic location: 15q22.31.
Variant type: single nucleotide variant.
Coding change: c.-547C>T on transcript NM_002755.3; 547 bases upstream of the start codon, C replaced by T.
Genome position (GRCh38, 1-based): chr15:66,386,801, C>T. VCF-style: chr15-66386801-C-T. GRCh37 (hg19) VCF-style: chr15-66679139-C-T.
Identifiers: ClinVar variation 561386 (VCV000561386.4), dbSNP rs77540803, ClinGen allele CA271645646.

ClinVar aggregate classification (germline): Likely benign. Review status: criteria provided, multiple submitters, no conflicts (2 of 4 stars). 2 submissions from 2 submitters: Likely benign (2). Last evaluated 2018-06-16.

Allele frequency attached by ClinVar (database versions not stated): gnomAD 0.02251 and 0.02300; gnomAD exomes 0.02901; TOPMed 0.02629; 1000 Genomes Project 30x 0.02608; 1000 Genomes Project 0.02636.

Submissions (2):

GeneDx
Classification: Likely benign. Last evaluated: 2018-06-16. Review status: criteria provided, single submitter. Criteria: GeneDx Variant Classification (06012015). Collection method: clinical testing. Allele origin: germline. Affected: yes.
Comment: This variant is considered likely benign or benign based on one or more of the following criteria: it is a conservative change, it occurs at a poorly conserved position in the protein, it is predicted to be benign by multiple in silico algorithms, and/or has population frequency not consistent with disease.

Breakthrough Genomics
Classification: Likely benign. Review status: criteria provided, single submitter. Criteria: ACMG Guidelines, 2015. Collection method: not provided. Allele origin: germline. Inheritance: Autosomal dominant inheritance. Affected: yes.